The following is an entry in ClinVar:

ClinVar aggregate classification (germline): Uncertain significance (1 of 4 stars; one submission).

gnomAD v4.1: 8 of 1,614,048 alleles (0.0005%); highest among the groups gnomAD compares: South Asian, 0.0011%; no homozygotes.

Submission:

Labcorp Genetics (formerly Invitae), Labcorp
Classification: Uncertain significance. Last evaluated: 2024-07-21. Review status: criteria provided, single submitter. Criteria: Invitae Variant Classification Sherloc (09022015). Collection method: clinical testing. Allele origin: germline.
Comment: This sequence change replaces serine, which is neutral and polar, with leucine, which is neutral and non-polar, at codon 361 of the NCSTN protein (p.Ser361Leu). This variant is present in population databases (rs201329587, gnomAD 0.0009%). This variant has not been reported in the literature in individuals affected with NCSTN-related conditions. Advanced modeling of protein sequence and biophysical properties (such as structural, functional, and spatial information, amino acid conservation, physicochemical variation, residue mobility, and thermodynamic stability) performed at Invitae indicates that this missense variant is not expected to disrupt NCSTN protein function with a negative predictive value of 80%. In summary, the available evidence is currently insufficient to determine the role of this variant in disease. Therefore, it has been classified as a Variant of Uncertain Significance.

NM_015331.3(NCSTN):c.1082C>T (p.Ser361Leu)

Gene: NCSTN (nicastrin; plus strand). Cytogenetic location: 1q23.2.
Variant type: single nucleotide variant.
Coding change: c.1082C>T on transcript NM_015331.3 (MANE Select); coding-DNA position 1082, C replaced by T.
Protein change: p.Ser361Leu; replaces serine 361 with leucine.
Molecular consequence: missense variant.
Genome position (GRCh38, 1-based): chr1:160,352,972, C>T. VCF-style: chr1-160352972-C-T. GRCh37 (hg19) VCF-style: chr1-160322762-C-T.
Other names: c.1022C>T, p.Ser341Leu (NM_001290184.2); c.668C>T, p.Ser223Leu (NM_001290186.2); c.1082C>T, p.Ser361Leu (NM_001349729.2); short protein forms S223L, S341L, S361L.
Identifiers: ClinVar variation 3628228 (VCV003628228.2).
Genomic context (GRCh38, chr1:160,352,972, plus strand): 5'-CGAGGATGGTCTACGATATGGAGAAGGGCAAGTTTCCCGTGCAGTTAGAGAATGTTGACT[C>T]ATTTGTGGAGCTGGGACAGGTATGTGGCATGTCCCCCAGCCCCTTCCTTTTTAATTAAAT-3'
Protein context (NP_056146.1, residues 351-371): KFPVQLENVD[Ser361Leu]FVELGQVALR